The following is an entry in ClinVar:

ClinVar aggregate classification (germline): Conflicting classifications of pathogenicity. Review status: criteria provided, conflicting classifications (1 of 4 stars). 9 submissions from 9 submitters: Uncertain significance (5); Likely benign (3). 1 of the submissions does not count toward it. Last evaluated 2025-11-12.

Conditions:
Arrhythmogenic right ventricular dysplasia 2. Identifiers: MedGen C1832931.
Catecholaminergic polymorphic ventricular tachycardia 1. Also called: VENTRICULAR TACHYCARDIA, CATECHOLAMINERGIC POLYMORPHIC, 1, WITH OR WITHOUT ATRIAL DYSFUNCTION AND/OR DILATED CARDIOMYOPATHY; RYR2-Related Catecholaminergic Polymorphic Ventricular Tachycardia; VENTRICULAR TACHYCARDIA, STRESS-INDUCED POLYMORPHIC 1. Identifiers: Orphanet 3286, MedGen C1631597, MONDO:0011484, OMIM 604772.
Ventricular arrhythmias due to cardiac ryanodine receptor calcium release deficiency syndrome. Also called: Autosomal dominant cardiac arrhythmia (Kuhn). Identifiers: MedGen C5542154, MONDO:0020745, OMIM 115000.
Hypertrophic cardiomyopathy. Also called: HYPERTROPHIC MYOCARDIOPATHY. Identifiers: Orphanet 217569, MedGen C0007194, MeSH D002312, MONDO:0005045, HP:0001639.
Cardiomyopathy (CMYO). Also called: Cardiomyopathies. Identifiers: Orphanet 167848, MedGen C0878544, MONDO:0004994, HP:0001638. Inheritance: Various modes of inheritance.
Cardiovascular phenotype. Identifiers: MedGen CN230736.
Sudden death. Identifiers: MedGen C0011071, HP:0001699.

Allele frequency attached by ClinVar (database versions not stated): ExAC 0.00004; gnomAD 0.00006; gnomAD exomes 0.00007 and 0.00004; TOPMed 0.00006; ESP Exome Variant Server 0.00008.
gnomAD v4.1: 112 of 1,613,780 alleles (0.0069%); highest among the groups gnomAD compares: East Asian, 0.013%; no homozygotes.

Submissions (9):

Labcorp Genetics (formerly Invitae), Labcorp
Classification: Likely benign for Catecholaminergic polymorphic ventricular tachycardia 1. Last evaluated: 2025-11-12. Review status: criteria provided, single submitter. Criteria: Invitae Variant Classification Sherloc (09022015). Collection method: clinical testing. Allele origin: germline.

GeneDx
Classification: Uncertain significance. Last evaluated: 2025-01-28. Review status: criteria provided, single submitter. Criteria: GeneDx Variant Classification Process June 2021. Collection method: clinical testing. Allele origin: germline.
Comment: In silico analysis supports that this missense variant has a deleterious effect on protein structure/function; Not located in one of the three hot-spot regions of the RYR2 gene, where the majority of pathogenic missense variants occur (PMID: 19926015); This variant is associated with the following publications: (PMID: 31513939, 35526016, 28404607, 36293497, 19926015)

Ambry Genetics
Classification: Uncertain significance for Cardiovascular phenotype. Last evaluated: 2024-12-12. Review status: criteria provided, single submitter. Criteria: Ambry Variant Classification Scheme 2023. Collection method: clinical testing. Allele origin: germline.
Comment: The p.T858M variant (also known as c.2573C>T), located in coding exon 22 of the RYR2 gene, results from a C to T substitution at nucleotide position 2573. The threonine at codon 858 is replaced by methionine, an amino acid with similar properties. This alteration has been reported in whole exome sequencing, sudden cardiac death and hypertrophic cardiomyopathy cohorts (Landstrom AP et al. Circ Arrhythm Electrophysiol, 2017 Apr;10; Robyns T et al. Eur J Med Genet, 2020 Mar;63:103754; Coll M et al. Int J Mol Sci, 2022 Oct;23:; Rohrer CT et al. J Forensic Sci, 2023 Nov;68:2065-2075). This amino acid position is not well conserved in available vertebrate species. In addition, the in silico prediction for this alteration is inconclusive. Since supporting evidence is limited at this time, the clinical significance of this alteration remains unclear.

Women's Health and Genetics/Laboratory Corporation of America, LabCorp
Classification: Likely benign. Last evaluated: 2024-07-22. Review status: criteria provided, single submitter. Criteria: LabCorp Variant Classification Summary - May 2015. Collection method: clinical testing. Allele origin: germline.
Comment: Variant summary: RYR2 c.2573C>T (p.Thr858Met) results in a non-conservative amino acid change in the encoded protein sequence. Four of five in-silico tools predict a damaging effect of the variant on protein function. The variant allele was found at a frequency of 6.9e-05 in 1613780 control chromosomes. The observed variant frequency is approximately 2-fold of the estimated maximal expected allele frequency for a pathogenic variant in RYR2 causing Catecholaminergic Polymorphic Ventricular Tachycardia phenotype (3.4e-05). c.2573C>T has been reported in the literature in at least one individual affected with hypertrophic cardiomyopathy (Robyns_2020), a case of sudden unexplained death (Coll_2022), and in affected and unaffected members of a family with arrhythmogenic right ventricular cardiomyopathy/dysplasia for which there were other variants in cardiac-related genes which were considered better candidates to explain the phenotype (Chen_2022). These reports do not provide unequivocal conclusions about association of the variant with Catecholaminergic Polymorphic Ventricular Tachycardia or other RYR2-related disorders. To our knowledge, no experimental evidence demonstrating an impact on protein function has been reported. The following publications have been ascertained in the context of this evaluation (PMID: 35526016, 36293497, 31513939). ClinVar contains an entry for this variant (Variation ID: 532370). Based on the evidence outlined above, the variant was classified as likely benign.

Color Diagnostics, LLC DBA Color Health
Classification: Likely benign for Cardiomyopathy. Last evaluated: 2023-02-28. Review status: criteria provided, single submitter. Criteria: ACMG Guidelines, 2015. Collection method: clinical testing. Allele origin: germline.

Fulgent Genetics
Classification: Uncertain significance for Ventricular arrhythmias due to cardiac ryanodine receptor calcium release deficiency syndrome; Catecholaminergic polymorphic ventricular tachycardia 1. Last evaluated: 2022-01-24. Review status: criteria provided, single submitter. Criteria: ACMG Guidelines, 2015. Collection method: clinical testing. Allele origin: unknown.

Center for Human Genetics, University of Leuven
Classification: Uncertain significance for Hypertrophic cardiomyopathy. Last evaluated: 2018-10-31. Review status: criteria provided, single submitter. Criteria: ACMG Guidelines, 2015. Collection method: clinical testing. Allele origin: germline. Affected: yes.

Breakthrough Genomics
Classification: Uncertain significance. Review status: criteria provided, single submitter. Criteria: ACMG Guidelines, 2015. Collection method: not provided. Allele origin: germline. Inheritance: Autosomal dominant inheritance. Affected: yes.

Clinical Molecular Genetics Laboratory, Johns Hopkins All Children's Hospital
Classification: Uncertain significance for Sudden death. Last evaluated: 2017-06-16. Review status: no assertion criteria provided. Collection method: clinical testing. Allele origin: germline. Affected: yes. Not counted in ClinVar's aggregate classification.

Literature cited by the submitters: PubMed 28404607 (cited by Ambry Genetics); PubMed 31513939 (cited by Ambry Genetics and Women's Health and Genetics/Laboratory Corporation of America, LabCorp); PubMed 36293497 (cited by Ambry Genetics and Women's Health and Genetics/Laboratory Corporation of America, LabCorp); PubMed 37614113 (cited by Ambry Genetics); PubMed 35526016 (cited by Women's Health and Genetics/Laboratory Corporation of America, LabCorp).

NM_001035.3(RYR2):c.2573C>T (p.Thr858Met)

Gene: RYR2 (ryanodine receptor 2; plus strand). Cytogenetic location: 1q43.
Variant type: single nucleotide variant.
Coding change: c.2573C>T on transcript NM_001035.3 (MANE Select); coding-DNA position 2573, C replaced by T.
Protein change: p.Thr858Met; replaces threonine 858 with methionine.
Molecular consequence: missense variant.
Genome position (GRCh38, 1-based): chr1:237,503,465, C>T. VCF-style: chr1-237503465-C-T. GRCh37 (hg19) VCF-style: chr1-237666765-C-T.
Other names: c.2573C>T, p.Thr858Met (LRG_402t1); short protein forms T858M.
Identifiers: ClinVar variation 532370 (VCV000532370.25), dbSNP rs377068202, ClinGen allele CA086075.